The following is an entry in ClinVar:

ClinVar aggregate classification (germline): Likely benign. Review status: criteria provided, multiple submitters, no conflicts (2 of 4 stars). 3 submissions from 3 submitters: Likely benign (3). Last evaluated 2024-09-27.

Allele frequency attached by ClinVar (database versions not stated): gnomAD exomes 0.00006 and 0.00012; ExAC 0.00015; gnomAD 0.00050 and 0.00053; ESP Exome Variant Server 0.00055; TOPMed 0.00059; 1000 Genomes Project 0.00080; 1000 Genomes Project 30x 0.00094.
gnomAD v4.1: 167 of 1,612,616 alleles (0.01%); highest among the groups gnomAD compares: African/African-American, 0.18%; no homozygotes.

Submissions (3):

Labcorp Genetics (formerly Invitae), Labcorp
Classification: Likely benign. Last evaluated: 2024-09-27. Review status: criteria provided, single submitter. Criteria: Invitae Variant Classification Sherloc (09022015). Collection method: clinical testing. Allele origin: germline.

Blueprint Genetics
Classification: Likely benign. Last evaluated: 2023-05-15. Review status: criteria provided, single submitter. Criteria: ACMG Guidelines, 2015. Collection method: clinical testing. Allele origin: germline.

CeGaT Center for Human Genetics Tuebingen
Classification: Likely benign. Last evaluated: 2022-04-01. Review status: criteria provided, single submitter. Criteria: CeGaT Center For Human Genetics Tuebingen Variant Classification Criteria Version 2. Collection method: clinical testing. Allele origin: germline. Affected: yes. Observed: 2 variant alleles.
Comment: CASZ1: BP4, BP7

NM_001079843.3(CASZ1):c.177G>A (p.Ser59=)

Gene: CASZ1 (castor zinc finger 1; minus strand). Cytogenetic location: 1p36.22.
Variant type: single nucleotide variant.
Coding change: c.177G>A on transcript NM_001079843.3 (MANE Select); coding-DNA position 177, G replaced by A.
Protein change: p.Ser59=; no amino-acid change (serine 59 retained).
Molecular consequence: synonymous variant.
Genome position (GRCh38, 1-based): chr1:10,665,411, C>T on the plus strand (G>A on the coding strand, the complement: CASZ1 is on the minus strand). VCF-style: chr1-10665411-C-T. GRCh37 (hg19) VCF-style: chr1-10725468-C-T.
Other names: c.177G>A, p.Ser59= (NM_017766.5).
Identifiers: ClinVar variation 1585560 (VCV001585560.32), dbSNP rs374734504, ClinGen allele CA585514.